The following is an entry in ClinVar:

ClinVar aggregate classification (germline): Conflicting classifications of pathogenicity. Review status: criteria provided, conflicting classifications (1 of 4 stars). 2 submissions from 2 submitters: Uncertain significance (1); Likely benign (1). Last evaluated 2025-03-04.

Conditions:
Breast-ovarian cancer, familial, susceptibility to, 1 (BROVCA1). Also called: BRCA1 Hereditary Breast and Ovarian Cancer; OVARIAN CANCER, SUSCEPTIBILITY TO. Identifiers: Orphanet 145, MedGen C2676676, MONDO:0011450, OMIM 604370. Disease mechanism: loss of function.

Submissions (2):

Center for Genomic Medicine, Rigshospitalet, Copenhagen University Hospital
Classification: Uncertain significance. Last evaluated: 2025-03-04. Review status: criteria provided, single submitter. Criteria: ACMG Guidelines, 2015. Collection method: clinical testing. Allele origin: germline.

Department of Clinical Genetics, Copenhagen University Hospital, Rigshospitalet
Classification: Likely benign for Breast-ovarian cancer, familial, susceptibility to, 1. Last evaluated: 2024-11-18. Review status: criteria provided, single submitter. Criteria: ACMG Guidelines, 2015. Collection method: clinical testing. Allele origin: germline.
Comment: The following ACMG criteria is used: BP1_Strong; PM2_Supporting

NM_007294.4(BRCA1):c.4399C>G (p.Gln1467Glu)

Gene: BRCA1 (BRCA1 DNA repair associated; minus strand). Cytogenetic location: 17q21.31.
Variant type: single nucleotide variant.
Coding change: c.4399C>G on transcript NM_007294.4 (MANE Select); coding-DNA position 4399, C replaced by G.
Protein change: p.Gln1467Glu; replaces glutamine 1467 with glutamic acid.
Molecular consequence: missense variant. On other transcripts: intron variant (3).
Genome position (GRCh38, 1-based): chr17:43,076,573, G>C on the plus strand (C>G on the coding strand, the complement: BRCA1 is on the minus strand). VCF-style: chr17-43076573-G-C. GRCh37 (hg19) VCF-style: chr17-41228590-G-C.
Other names: c.949C>G, p.Gln317Glu (NM_001408452.1, NM_001408453.1, NM_001408454.1 and 3 more transcripts); c.946C>G, p.Gln316Glu (NM_001408458.1, NM_001408459.1, NM_001408460.1 and 7 more transcripts); c.4396C>G, p.Gln1466Glu (NM_001407860.1, NM_001407610.1, NM_001407611.1 and 17 more transcripts); c.4393C>G, p.Gln1465Glu (NM_001407861.1, NM_001407636.1, NM_001407637.1 and 14 more transcripts); c.4198C>G, p.Gln1400Glu (NM_001407862.1); c.4273C>G, p.Gln1425Glu (NM_001407863.1, NM_001407939.1, NM_001407940.1 and 11 more transcripts); c.4192C>G, p.Gln1398Glu (NM_001407874.1, NM_001407875.1); c.1087C>G, p.Gln363Glu (NM_001407991.1, NM_001407992.1, NM_001407993.1 and 13 more transcripts); and 71 more; short protein forms Q1170E, Q1171E, Q1298E, Q1338E, Q1339E, Q1340E, Q1354E, Q1355E.
Identifiers: ClinVar variation 2576274 (VCV002576274.3), dbSNP rs397509171, ClinGen allele CA10592736.